The following is an entry in ClinVar:

ClinVar aggregate classification (germline): Uncertain significance (1 of 4 stars; one submission).

Allele frequency attached by ClinVar (database versions not stated): gnomAD exomes below 0.00001; gnomAD 0.00001.
gnomAD v4.1: 5 of 1,613,936 alleles (0.00031%); highest among the groups gnomAD compares: South Asian, 0.0011%; no homozygotes.

Submission:

Labcorp Genetics (formerly Invitae), Labcorp
Classification: Uncertain significance. Last evaluated: 2022-07-19. Review status: criteria provided, single submitter. Criteria: Invitae Variant Classification Sherloc (09022015). Collection method: clinical testing. Allele origin: germline.
Comment: In summary, the available evidence is currently insufficient to determine the role of this variant in disease. Therefore, it has been classified as a Variant of Uncertain Significance. Algorithms developed to predict the effect of sequence changes on RNA splicing suggest that this variant may create or strengthen a splice site. Algorithms developed to predict the effect of missense changes on protein structure and function (SIFT, PolyPhen-2, Align-GVGD) all suggest that this variant is likely to be disruptive. This variant has not been reported in the literature in individuals affected with POLR3B-related conditions. This variant is present in population databases (no rsID available, gnomAD 0.004%). This sequence change replaces glycine, which is neutral and non-polar, with serine, which is neutral and polar, at codon 961 of the POLR3B protein (p.Gly961Ser).

NM_018082.6(POLR3B):c.2881G>A (p.Gly961Ser)

Genes: POLR3B (RNA polymerase III subunit B; plus strand), RFX4-AS1 (RFX4 antisense RNA 1; minus strand). Cytogenetic location: 12q23.3.
Variant type: single nucleotide variant.
Coding change: c.2881G>A on transcript NM_018082.6 (MANE Select); coding-DNA position 2881, G replaced by A.
Protein change: p.Gly961Ser; replaces glycine 961 with serine.
Molecular consequence: missense variant.
Genome position (GRCh38, 1-based): chr12:106,496,815, G>A. VCF-style: chr12-106496815-G-A. GRCh37 (hg19) VCF-style: chr12-106890593-G-A.
Other names: c.2707G>A, p.Gly903Ser (NM_001160708.2); short protein forms G961S, G903S.
Identifiers: ClinVar variation 1932581 (VCV001932581.5), dbSNP rs1054098344, ClinGen allele CA243217285.